The following is an entry in ClinVar:

NM_001366722.1(GRIP1):c.137-1G>A

Gene: GRIP1 (glutamate receptor interacting protein 1; minus strand). Cytogenetic location: 12q14.3.
Variant type: single nucleotide variant.
Coding change: c.137-1G>A on transcript NM_001366722.1 (MANE Select); the canonical splice acceptor site of the intron before coding-DNA position 137, G replaced by A.
Molecular consequence: splice acceptor variant.
Genome position (GRCh38, 1-based): chr12:66,541,951, C>T on the plus strand (G>A on the coding strand, the complement: GRIP1 is on the minus strand). VCF-style: chr12-66541951-C-T. GRCh37 (hg19) VCF-style: chr12-66935731-C-T.
Other names: c.140-1G>A (NM_001379351.1, NM_001379349.1); c.215-1G>A (NM_001379348.1, NM_001366723.1, NM_001379347.1 and 2 more transcripts); c.137-1G>A (NM_001178074.2, NM_021150.4, NM_001379346.1).
Identifiers: ClinVar variation 2987018 (VCV002987018.3), dbSNP rs2502472725, ClinGen allele CA385680422.

ClinVar aggregate classification (germline): Likely pathogenic (1 of 4 stars; one submission).

Submission:

Labcorp Genetics (formerly Invitae), Labcorp
Classification: Likely pathogenic. Last evaluated: 2023-10-07. Review status: criteria provided, single submitter. Criteria: Invitae Variant Classification Sherloc (09022015). Collection method: clinical testing. Allele origin: germline.
Comment: This sequence change affects an acceptor splice site in intron 2 of the GRIP1 gene. It is expected to disrupt RNA splicing. Variants that disrupt the donor or acceptor splice site typically lead to a loss of protein function (PMID: 16199547), and loss-of-function variants in GRIP1 are known to be pathogenic (PMID: 22510445, 24357607). This variant is not present in population databases (gnomAD no frequency). This variant has not been reported in the literature in individuals affected with GRIP1-related conditions. Algorithms developed to predict the effect of sequence changes on RNA splicing suggest that this variant may disrupt the consensus splice site. In summary, the currently available evidence indicates that the variant is pathogenic, but additional data are needed to prove that conclusively. Therefore, this variant has been classified as Likely Pathogenic.

Literature cited by the submitters: PubMed 16199547; PubMed 22510445; PubMed 24357607.